The following is an entry in ClinVar:

ClinVar aggregate classification (germline): Uncertain significance (1 of 4 stars; one submission).

Conditions:
Desbuquois dysplasia 2 (DBQD2). Also called: Baratela-Scott syndrome. Identifiers: Orphanet 1425, MedGen C4014294, MONDO:0014343, OMIM 615777.
Autosomal recessive inherited pseudoxanthoma elasticum (PXE). Identifiers: Orphanet 758, MedGen CN032334, MONDO:0009925, OMIM 264800.

Submission:

Juno Genomics, Hangzhou Juno Genomics, Inc
Classification: Uncertain significance for Autosomal recessive inherited pseudoxanthoma elasticum; Desbuquois dysplasia 2. Review status: criteria provided, single submitter. Criteria: ACMG Guidelines, 2015. Collection method: clinical testing. Allele origin: germline.
Comment: Absent from controls (or at extremely low frequency if recessive) in Genome Aggregation Database.;Protein length changes due to in-frame deletions/insertions in a non-repeat region or stop-loss variants.

NM_022166.4(XYLT1):c.1523_1525del (p.Phe508del)

Gene: XYLT1 (xylosyltransferase 1; minus strand). Cytogenetic location: 16p12.3.
Variant type: Deletion.
Coding change: c.1523_1525del on transcript NM_022166.4 (MANE Select); coding-DNA positions 1523 to 1525, 3 bases deleted (TCT; older notation c.1523_1525delTCT).
Protein change: p.Phe508del; deletes phenylalanine 508.
Molecular consequence: inframe deletion.
Genome position (GRCh38, 1-based): chr16:17,141,215-17,141,217, AGA deleted on the plus strand (TCT on the coding strand, the reverse complement: XYLT1 is on the minus strand); deleting any 3 consecutive bases within chr16:17,141,215-17,141,219 gives the same sequence; the c. name uses the placement nearest the transcript's 3' end. VCF-style (leftmost placement, unchanged base first): chr16-17141214-GAGA-G. GRCh37 (hg19) VCF-style: chr16-17235071-GAGA-G.
Other names: short protein forms F508del.
Identifiers: ClinVar variation 5005512 (VCV005005512.2).